The following is an entry in ClinVar:

NM_000098.3(CPT2):c.534_558delinsT (p.Leu178_Ile186delinsPhe)

Gene: CPT2 (carnitine palmitoyltransferase 2; plus strand). Cytogenetic location: 1p32.3.
Variant type: Indel.
Coding change: c.534_558delinsT on transcript NM_000098.3 (MANE Select); coding-DNA positions 534 to 558, GAACCCTGCAAAAAGTGACACTATC replaced by T.
Protein change: p.Leu178_Ile186delinsPhe.
Molecular consequence: inframe indel.
Genome position (GRCh38, 1-based): chr1:53,210,208-53,210,232, GAACCCTGCAAAAAGTGACACTATC replaced by T. VCF-style: chr1-53210208-GAACCCTGCAAAAAGTGACACTATC-T. GRCh37 (hg19) VCF-style: chr1-53675880-GAACCCTGCAAAAAGTGACACTATC-T.
Other names: c.534_558delinsT, p.Leu178_Ile186delinsPhe (NM_001330589.2).
Identifiers: ClinVar variation 130885 (VCV000130885.18), dbSNP rs515726173, ClinGen allele CA245061.

ClinVar aggregate classification (germline): Conflicting classifications of pathogenicity. Review status: criteria provided, conflicting classifications (1 of 4 stars). 8 submissions from 8 submitters: Pathogenic (5); Uncertain significance (1). 2 of the submissions do not count toward it. Last evaluated 2026-01-05.

Conditions:
CPT2-related disorder. Also called: CPT2-related condition.
Carnitine palmitoyltransferase II deficiency. Also called: Carnitine Palmitoyltransferase 2 Deficiency. Identifiers: Orphanet 157, MedGen C0342790, MONDO:0015515.
Encephalopathy, acute, infection-induced, susceptibility to, 4. Identifiers: Orphanet 263524, MedGen C3280160, MONDO:0013633, OMIM 614212.
Carnitine palmitoyl transferase II deficiency, neonatal form. Also called: CARNITINE PALMITOYLTRANSFERASE II DEFICIENCY, ANTENATAL; CARNITINE PALMITOYLTRANSFERASE II DEFICIENCY, NEONATAL; CPT II DEFICIENCY, LETHAL NEONATAL; CPT2 DEFICIENCY, LETHAL NEONATAL; Carnitine palmitoyltransferase II deficiency, lethal neonatal. Identifiers: Orphanet 228308, MedGen C1833518, MONDO:0012136, OMIM 608836.

Submissions (8):

Natera, Inc.
Classification: Pathogenic for Carnitine palmitoyltransferase II deficiency. Last evaluated: 2026-01-05. Review status: criteria provided, single submitter. Criteria: Natera Variant Classification Schema (03/2026). Collection method: clinical testing. Allele origin: germline.
Comment: The c.534_558delGAACCCTGCAAAAAGTGACACTATCinsT variant in CPT2 is a deletion-insertion (delins) variant predicted to replace one or more nucleotides with a different sequence. This variant is rare in the general population with a frequency below the threshold expected for the associated phenotype(s). This variant has been observed in one or more individuals affected with the associated recessive disease, as either homozygous or compound heterozygous with a second variant (PMID: 16996287). Given the available evidence, this variant is classified as Pathogenic.

Labcorp Genetics (formerly Invitae), Labcorp
Classification: Pathogenic for Carnitine palmitoyltransferase II deficiency. Last evaluated: 2025-12-29. Review status: criteria provided, single submitter. Criteria: Invitae Variant Classification Sherloc (09022015). Collection method: clinical testing. Allele origin: germline.
Comment: This variant, c.534_558delinsT, is a complex sequence change that results in the deletion of 9 and insertion of 1 amino acid(s) in the CPT2 protein (p.Leu178_Ile186delinsPhe). Information on the frequency of this variant in the gnomAD database is not available, as this variant may be reported differently in the database. This variant has been observed in individual(s) with carnitine palmitoyltransferase II deficiency (PMID: 9758712, 12560872, 14615409). In at least one individual the data is consistent with being in trans (on the opposite chromosome) from a pathogenic variant. It has also been observed to segregate with disease in related individuals. This variant is also known as c.534_558delinsT, 534T ins/del25. For these reasons, this variant has been classified as Pathogenic.

PreventionGenetics, part of Exact Sciences
Classification: Pathogenic for CPT2-related condition. Last evaluated: 2025-11-05. Review status: criteria provided, single submitter. Criteria: ACMG Guidelines, 2015. Collection method: clinical testing. Allele origin: germline.
Comment: The CPT2 c.534_558delinsT variant is predicted to result in an in-frame deletion and insertion. This variant has been reported in the homozygous and compound heterozygous states in individuals with carnitine palmitoyltransferase II (CPT II) deficiency (534T ins/del 25 in Yang et al. 1998. PubMed ID: 9758712; 533_534insT; 534_558-del in Sigauke et al. 2003. PubMed ID: 14615409; 534T ins/del 25 in Smeets et al. 2003. PubMed ID: 12560872; Yahyaoui et al. 2011. PubMed ID: 21641254; Fanin et al. 2012. PubMed ID: 21913903). This variant is interpreted as pathogenic.

GeneDx
Classification: Pathogenic. Last evaluated: 2025-09-15. Review status: criteria provided, single submitter. Criteria: GeneDx Variant Classification Process June 2021. Collection method: clinical testing. Allele origin: germline. Affected: yes.
Comment: In-frame deletion of nine amino acids and insertion of one different amino acidin a non-repeat region predicted to critically alter the protein; Not observed at significant frequency in large population cohorts (gnomAD); In silico analysis supports a deleterious effect on protein structure/function; Also known as c.534Tins/del 25; This variant is associated with the following publications: (PMID: 22975760, 21641254, 34020866, 30957255, 25827434, 9758712, 14615409, 12560872)

Baylor Genetics
Classification: Pathogenic for Encephalopathy, acute, infection-induced, susceptibility to, 4. Last evaluated: 2024-03-30. Review status: criteria provided, single submitter. Criteria: ACMG Guidelines, 2015. Collection method: clinical testing. Allele origin: unknown.

Eurofins Ntd Llc (ga)
Classification: Uncertain significance. Last evaluated: 2014-12-02. Review status: criteria provided, single submitter. Criteria: EGL Classification Definitions 2015. Collection method: clinical testing. Allele origin: germline. Observed: 2 variant alleles, 2 heterozygotes.

OMIM
Classification: Pathogenic for CARNITINE PALMITOYLTRANSFERASE II DEFICIENCY, LETHAL NEONATAL. Last evaluated: 2003-01-01. Review status: no assertion criteria provided. Collection method: literature only. Allele origin: germline. Not counted in ClinVar's aggregate classification.

GeneReviews
No classification provided. Condition: Carnitine palmitoyltransferase II deficiency. Review status: no classification provided. Collection method: literature only. Allele origin: germline. Not counted in ClinVar's aggregate classification.

Literature cited by the submitters: PubMed 16996287 (cited by Natera, Inc.); PubMed 9758712 (cited by Labcorp Genetics (formerly Invitae), Labcorp and Eurofins Ntd Llc (ga)); PubMed 12560872 (cited by Labcorp Genetics (formerly Invitae), Labcorp and OMIM); PubMed 14615409 (cited by Labcorp Genetics (formerly Invitae), Labcorp and Eurofins Ntd Llc (ga)); NCBI Bookshelf NBK1253 (cited by GeneReviews); PubMed 20301431 (cited by GeneReviews).